The following is an entry in ClinVar:

NM_000059.4(BRCA2):c.10125T>G (p.Ser3375Arg)

Gene: BRCA2 (BRCA2 DNA repair associated; plus strand). Cytogenetic location: 13q13.1.
Variant type: single nucleotide variant.
Coding change: c.10125T>G on transcript NM_000059.4 (MANE Select); coding-DNA position 10125, T replaced by G.
Protein change: p.Ser3375Arg; replaces serine 3375 with arginine.
Molecular consequence: missense variant. On other transcripts: non-coding transcript variant (1).
Genome position (GRCh38, 1-based): chr13:32,398,638, T>G. VCF-style: chr13-32398638-T-G. GRCh37 (hg19) VCF-style: chr13-32972775-T-G.
Other names: c.3708T>G, p.Ser1236Arg (NM_001406722.1); c.10125T>G, p.Ser3375Arg (NM_001432077.1); c.10029T>G, p.Ser3343Arg (NM_001406719.1); c.10074T>G, p.Ser3358Arg (NM_001406720.1); c.5193T>G, p.Ser1731Arg (NM_001406721.1); short protein forms S1236R, S1731R, S3343R, S3358R, S3375R.
Identifiers: ClinVar variation 4813428 (VCV004813428.1).

ClinVar aggregate classification (germline): Uncertain significance (1 of 4 stars; one submission).

Conditions:
Breast-ovarian cancer, familial, susceptibility to, 2 (BROVCA2). Also called: BRCA2 Hereditary Breast and Ovarian Cancer. Identifiers: Orphanet 145, MedGen C2675520, MONDO:0012933, OMIM 612555. Disease mechanism: loss of function.

Submission:

MVZ Praenatalmedizin und Genetik Nuernberg
Classification: Uncertain significance for Breast-ovarian cancer, familial, susceptibility to, 2. Last evaluated: 2025-02-26. Review status: criteria provided, single submitter. Criteria: ACMG Guidelines, 2015. Collection method: clinical testing. Allele origin: germline. Affected: yes.
Comment: A literature search did not yield any additional information. Computer-based predictions (in silico) conducted for this purpose have resulted in a predominantly benign assessment of the variant. However, no functional analyses are available to date. It is not known whether the variants are in cis or in trans. At the time of examination, Fanconi anemia was not suspected. In summary, based on the current data, we assess this variant as having unclear clinical significance (VUS).